The following is an entry in ClinVar:

ClinVar aggregate classification (germline): Likely pathogenic (1 of 4 stars; one submission).

Submission:

Labcorp Genetics (formerly Invitae), Labcorp
Classification: Likely pathogenic. Last evaluated: 2024-06-08. Review status: criteria provided, single submitter. Criteria: Invitae Variant Classification Sherloc (09022015). Collection method: clinical testing. Allele origin: germline.
Comment: This sequence change replaces proline, which is neutral and non-polar, with leucine, which is neutral and non-polar, at codon 13 of the PRPF8 protein (p.Pro13Leu). Information on the frequency of this variant in the gnomAD database is not available, as this variant may be reported differently in the database. This missense change has been observed in individual(s) with primary open angle glaucoma (PMID: 28707069). It has also been observed to segregate with disease in related individuals. An algorithm developed to predict the effect of missense changes on protein structure and function (PolyPhen-2) suggests that this variant is likely to be tolerated. In summary, the currently available evidence indicates that the variant is pathogenic, but additional data are needed to prove that conclusively. Therefore, this variant has been classified as Likely Pathogenic.

Literature cited by the submitters: PubMed 28707069.

NM_006445.4(PRPF8):c.37_38delinsTT (p.Pro13Leu)

Gene: PRPF8 (pre-mRNA processing factor 8; minus strand). Cytogenetic location: 17p13.3.
Variant type: Indel.
Coding change: c.37_38delinsTT on transcript NM_006445.4 (MANE Select); coding-DNA positions 37 to 38, CC replaced by TT.
Protein change: p.Pro13Leu; replaces proline 13 with leucine.
Molecular consequence: missense variant.
Genome position (GRCh38, 1-based): chr17:1,684,534-1,684,535, GG replaced by AA on the plus strand (CC replaced by TT on the coding strand, the reverse complement: PRPF8 is on the minus strand). VCF-style: chr17-1684534-GG-AA. GRCh37 (hg19) VCF-style: chr17-1587828-GG-AA.
Other names: short protein forms P13L.
Identifiers: ClinVar variation 3655923 (VCV003655923.2).